The following is an entry in ClinVar:

NC_000015.10:g.(?_42384473)_(42390106_?)del

Gene: CAPN3 (calpain 3; plus strand). Cytogenetic location: 15q15.1.
Variant type: Deletion.
Identifiers: ClinVar variation 833365 (VCV000833365.9).

ClinVar aggregate classification (germline): Pathogenic (1 of 4 stars; one submission).

Conditions:
Autosomal recessive limb-girdle muscular dystrophy type 2A (LGMDR1). Also called: LEYDEN-MOEBIUS MUSCULAR DYSTROPHY; MUSCULAR DYSTROPHY, PELVOFEMORAL; Limb-girdle muscular dystrophy, type 2A; Calpainopathy; Muscular dystrophy, limb-girdle, type 2A, Amish. Identifiers: Orphanet 267, MedGen C1869123, MONDO:0009675, OMIM 253600. Disease mechanism: loss of function.

Submission:

Labcorp Genetics (formerly Invitae), Labcorp
Classification: Pathogenic for Autosomal recessive limb-girdle muscular dystrophy type 2A. Last evaluated: 2021-03-12. Review status: criteria provided, single submitter. Criteria: Invitae Variant Classification Sherloc (09022015). Collection method: clinical testing. Allele origin: germline.
Comment: For these reasons, this variant has been classified as Pathogenic. This variant disrupts the p.Tyr170 amino acid residue in CAPN3. Other variant(s) that disrupt this residue have been determined to be pathogenic (PMID: 18055493, 25135358). This suggests that this residue is clinically significant, and that variants that disrupt this residue are likely to be disease-causing. This variant has been observed in individual(s) with autosomal recessive limb-girdle muscular dystrophy (PMID: 29797799, (08)00478-1/fulltext). This variant is a gross deletion of the genomic region encompassing exon(s) 2-6 of the CAPN3 gene. This variant would be expected to be in-frame, preserving the integrity of the reading frame.

Literature cited by the submitters: PubMed 18055493; PubMed 25135358; PubMed 29797799.